The following is an entry in ClinVar:

ClinVar aggregate classification (germline): Uncertain significance (1 of 4 stars; one submission).

Conditions:
Transcobalamin II deficiency (TCN2D). Also called: Transcolabamin II deficiency; TC II DEFICIENCY; TCN2 DEFICIENCY. Identifiers: Orphanet 859, MedGen C0342701, MONDO:0010149, OMIM 275350.

gnomAD v4.1: 1 of 1,614,160 alleles (0.000062%); highest among the groups gnomAD compares: African/African-American, 0.0013%; no homozygotes.

Submission:

Labcorp Genetics (formerly Invitae), Labcorp
Classification: Uncertain significance for Transcobalamin II deficiency. Last evaluated: 2022-02-01. Review status: criteria provided, single submitter. Criteria: Invitae Variant Classification Sherloc (09022015). Collection method: clinical testing. Allele origin: germline.
Comment: In summary, the available evidence is currently insufficient to determine the role of this variant in disease. Therefore, it has been classified as a Variant of Uncertain Significance. Algorithms developed to predict the effect of missense changes on protein structure and function output the following: SIFT: "Tolerated"; PolyPhen-2: "Benign"; Align-GVGD: "Class C0". The asparagine amino acid residue is found in multiple mammalian species, which suggests that this missense change does not adversely affect protein function. This variant has not been reported in the literature in individuals affected with TCN2-related conditions. This variant is not present in population databases (gnomAD no frequency). This sequence change replaces aspartic acid, which is acidic and polar, with asparagine, which is neutral and polar, at codon 145 of the TCN2 protein (p.Asp145Asn).

NM_000355.4(TCN2):c.433G>A (p.Asp145Asn)

Gene: TCN2 (transcobalamin 2; plus strand). Cytogenetic location: 22q12.2.
Variant type: single nucleotide variant.
Coding change: c.433G>A on transcript NM_000355.4 (MANE Select); coding-DNA position 433, G replaced by A.
Protein change: p.Asp145Asn; replaces aspartic acid 145 with asparagine.
Molecular consequence: missense variant.
Genome position (GRCh38, 1-based): chr22:30,614,354, G>A. VCF-style: chr22-30614354-G-A. GRCh37 (hg19) VCF-style: chr22-31010341-G-A.
Other names: c.352G>A, p.Asp118Asn (NM_001184726.2); short protein forms D145N, D118N.
Identifiers: ClinVar variation 1903117 (VCV001903117.4), dbSNP rs1569040485, ClinGen allele CA411210473.